The following is an entry in ClinVar:

ClinVar aggregate classification (germline): Uncertain significance. Review status: criteria provided, multiple submitters, no conflicts (2 of 4 stars). 2 submissions from 2 submitters: Uncertain significance (2). Last evaluated 2024-09-23.

gnomAD v4.1: 5 of 1,567,536 alleles (0.00032%); highest among the groups gnomAD compares: Middle Eastern, 0.017%; no homozygotes.

Submissions (2):

GeneDx
Classification: Uncertain significance. Last evaluated: 2024-09-23. Review status: criteria provided, single submitter. Criteria: GeneDx Variant Classification Process June 2021. Collection method: clinical testing. Allele origin: germline. Affected: yes.
Comment: In silico analysis indicates that this missense variant does not alter protein structure/function; Has not been previously published as pathogenic or benign to our knowledge

Blueprint Genetics
Classification: Uncertain significance. Last evaluated: 2018-11-26. Review status: criteria provided, single submitter. Criteria: ACMG Guidelines, 2015. Collection method: clinical testing. Allele origin: germline.

NM_152783.5(D2HGDH):c.137C>T (p.Pro46Leu)

Genes: D2HGDH (D-2-hydroxyglutarate dehydrogenase; plus strand), LOC129936032 (ATAC-STARR-seq lymphoblastoid silent region 12559; plus strand). Cytogenetic location: 2q37.3.
Variant type: single nucleotide variant.
Coding change: c.137C>T on transcript NM_152783.5 (MANE Select); coding-DNA position 137, C replaced by T.
Protein change: p.Pro46Leu; replaces proline 46 with leucine.
Molecular consequence: missense variant. On other transcripts: 5 prime UTR variant (1), non-coding transcript variant (1), intron variant (1).
Genome position (GRCh38, 1-based): chr2:241,735,361, C>T. VCF-style: chr2-241735361-C-T. GRCh37 (hg19) VCF-style: chr2-242674776-C-T.
Other names: c.-408C>T (NM_001352824.2); c.-111+666C>T (NM_001287249.2); short protein forms P46L.
Identifiers: ClinVar variation 3773969 (VCV003773969.2).